The following is an entry in ClinVar:

NM_004646.4(NPHS1):c.163_164insA (p.Val55fs)

Genes: KIRREL2 (kirre like nephrin family adhesion molecule 2; plus strand), NPHS1 (NPHS1 adhesion molecule, nephrin; minus strand). Cytogenetic location: 19q13.12.
Variant type: Insertion.
Coding change: c.163_164insA on transcript NM_004646.4 (MANE Select); coding-DNA positions 163 to 164, A inserted.
Protein change: p.Val55fs; shifts the reading frame from valine 55.
Molecular consequence: frameshift variant.
Genome position: GRCh38 VCF-style: chr19-35851567-A-AT. GRCh37 (hg19) VCF-style: chr19-36342469-A-AT.
Other names: short protein forms V55fs.
Identifiers: ClinVar variation 2760285 (VCV002760285.4), dbSNP rs2513786002, ClinGen allele CA2584604473.

ClinVar aggregate classification (germline): Pathogenic/Likely pathogenic. Review status: criteria provided, multiple submitters, no conflicts (2 of 4 stars). 2 submissions from 2 submitters: Pathogenic (1); Likely pathogenic (1). Last evaluated 2025-10-17.

Conditions:
Finnish congenital nephrotic syndrome (NPHS1). Also called: NEPHROTIC SYNDROME, TYPE 1. Identifiers: Orphanet 839, MedGen C0403399, MONDO:0009732, OMIM 256300.

Allele frequency attached by ClinVar (database versions not stated): gnomAD exomes below 0.00001.

Submissions (2):

Natera, Inc.
Classification: Likely pathogenic for Finnish congenital nephrotic syndrome. Last evaluated: 2025-10-17. Review status: criteria provided, single submitter. Criteria: Natera Variant Classification Schema (03/2026). Collection method: clinical testing. Allele origin: germline.
Comment: The c.163_164insA variant in NPHS1 is a frameshift variant predicted to shift the reading frame beginning at codon 55 and leads to a stop codon 37 codons downstream. This variant is expected to result in nonsense mediated decay, truncation, or a dysfunctional protein product. This variant is rare in the general population with a frequency below the threshold expected for the associated phenotype(s). Given the available evidence, this variant is classified as Likely Pathogenic.

Labcorp Genetics (formerly Invitae), Labcorp
Classification: Pathogenic. Last evaluated: 2023-09-12. Review status: criteria provided, single submitter. Criteria: Invitae Variant Classification Sherloc (09022015). Collection method: clinical testing. Allele origin: germline.
Comment: This variant has not been reported in the literature in individuals affected with NPHS1-related conditions. This variant is not present in population databases (gnomAD no frequency). This sequence change creates a premature translational stop signal (p.Val55Aspfs*37) in the NPHS1 gene. It is expected to result in an absent or disrupted protein product. Loss-of-function variants in NPHS1 are known to be pathogenic (PMID: 11317351, 11854170, 12039988). For these reasons, this variant has been classified as Pathogenic.

Literature cited by the submitters: PubMed 11317351 (cited by Labcorp Genetics (formerly Invitae), Labcorp); PubMed 11854170 (cited by Labcorp Genetics (formerly Invitae), Labcorp); PubMed 12039988 (cited by Labcorp Genetics (formerly Invitae), Labcorp).